The following is an entry in ClinVar:

NM_013319.3(UBIAD1):c.*48A>G

Gene: UBIAD1 (UbiA prenyltransferase domain containing 1; plus strand). Cytogenetic location: 1p36.22.
Variant type: single nucleotide variant.
Coding change: c.*48A>G on transcript NM_013319.3 (MANE Select); 48 bases downstream of the stop codon, A replaced by G.
Molecular consequence: 3 prime UTR variant. On other transcripts: intron variant (2).
Genome position (GRCh38, 1-based): chr1:11,286,179, A>G. VCF-style: chr1-11286179-A-G. GRCh37 (hg19) VCF-style: chr1-11346236-A-G.
Other names: c.618+447A>G (NM_001330349.2); c.530-8694A>G (NM_001330350.2).
Identifiers: ClinVar variation 875068 (VCV000875068.4), dbSNP rs368504935, ClinGen allele CA591282.

ClinVar aggregate classification (germline): Benign (1 of 4 stars; one submission).

Conditions:
Schnyder crystalline corneal dystrophy (SCCD). Also called: Crystalline corneal dystrophy; Schnyder corneal dystrophy. Identifiers: Orphanet 98967, MedGen C0271287, MONDO:0007374, OMIM 121800.

Allele frequency attached by ClinVar (database versions not stated): TOPMed 0.00003; ESP Exome Variant Server 0.00015.

Submission:

Illumina Laboratory Services, Illumina
Classification: Benign for Schnyder crystalline corneal dystrophy. Last evaluated: 2018-03-14. Review status: criteria provided, single submitter. Criteria: ICSL Variant Classification Criteria 13 December 2019. Collection method: clinical testing. Allele origin: germline.
Comment: This variant was observed in the ICSL laboratory as part of a predisposition screen in an ostensibly healthy population. It had not been previously curated by ICSL or reported in the Human Gene Mutation Database (HGMD: prior to June 1st, 2018), and was therefore a candidate for classification through an automated scoring system. Utilizing variant allele frequency, disease prevalence and penetrance estimates, and inheritance mode, an automated score was calculated to assess if this variant is too frequent to cause the disease. Based on the score and internal cut-off values, a variant classified as benign is not then subjected to further curation. The score for this variant resulted in a classification of benign for this disease.